The following is an entry in ClinVar:

NM_003995.4(NPR2):c.949G>T (p.Ala317Ser)

Gene: NPR2 (natriuretic peptide receptor 2; plus strand). Cytogenetic location: 9p13.3.
Variant type: single nucleotide variant.
Coding change: c.949G>T on transcript NM_003995.4 (MANE Select); coding-DNA position 949, G replaced by T.
Protein change: p.Ala317Ser; replaces alanine 317 with serine.
Molecular consequence: missense variant.
Genome position (GRCh38, 1-based): chr9:35,799,693, G>T. VCF-style: chr9-35799693-G-T. GRCh37 (hg19) VCF-style: chr9-35799690-G-T.
Other names: c.949G>T, p.Ala317Ser (NM_001378923.1); short protein forms A317S.
Identifiers: ClinVar variation 2933351 (VCV002933351.3), dbSNP rs368830314, ClinGen allele CA5051557.

ClinVar aggregate classification (germline): Uncertain significance (1 of 4 stars; one submission).

Conditions:
Acromesomelic dysplasia 1, Maroteaux type (AMD1). Also called: ACROMESOMELIC DYSPLASIA 1; ST. HELENA DYSPLASIA. Identifiers: Orphanet 40, MedGen C1864356, MONDO:0011275, OMIM 602875.
Tall stature-scoliosis-macrodactyly of the great toes syndrome. Also called: Epiphyseal chondrodysplasia, miura type. Identifiers: Orphanet 329191, MedGen C4014690, MONDO:0014401, OMIM 615923.

Allele frequency attached by ClinVar (database versions not stated): gnomAD exomes below 0.00001; ExAC 0.00001.
gnomAD v4.1: 9 of 1,613,982 alleles (0.00056%); highest among the groups gnomAD compares: South Asian, 0.0055%; no homozygotes.

Submission:

Labcorp Genetics (formerly Invitae), Labcorp
Classification: Uncertain significance for Tall stature-scoliosis-macrodactyly of the great toes syndrome; Acromesomelic dysplasia 1, Maroteaux type. Last evaluated: 2023-05-24. Review status: criteria provided, single submitter. Criteria: Invitae Variant Classification Sherloc (09022015). Collection method: clinical testing. Allele origin: germline.
Comment: This sequence change replaces alanine, which is neutral and non-polar, with serine, which is neutral and polar, at codon 317 of the NPR2 protein (p.Ala317Ser). This variant is present in population databases (rs368830314, gnomAD 0.007%). This variant has not been reported in the literature in individuals affected with NPR2-related conditions. An algorithm developed to predict the effect of missense changes on protein structure and function (PolyPhen-2) suggests that this variant is likely to be tolerated. In summary, the available evidence is currently insufficient to determine the role of this variant in disease. Therefore, it has been classified as a Variant of Uncertain Significance.